The following is an entry in ClinVar:

NM_000059.4(BRCA2):c.838A>G (p.Lys280Glu)

Gene: BRCA2 (BRCA2 DNA repair associated; plus strand). Cytogenetic location: 13q13.1.
Variant type: single nucleotide variant.
Coding change: c.838A>G on transcript NM_000059.4 (MANE Select); coding-DNA position 838, A replaced by G.
Protein change: p.Lys280Glu; replaces lysine 280 with glutamic acid.
Molecular consequence: missense variant.
Genome position (GRCh38, 1-based): chr13:32,332,316, A>G. VCF-style: chr13-32332316-A-G. GRCh37 (hg19) VCF-style: chr13-32906453-A-G.
Other names: short protein forms K280E.
Identifiers: ClinVar variation 52571 (VCV000052571.20), dbSNP rs80359085, ClinGen allele CA025621.

ClinVar aggregate classification (germline): Conflicting classifications of pathogenicity. Review status: criteria provided, conflicting classifications (1 of 4 stars). 7 submissions from 7 submitters: Uncertain significance (5); Likely benign (1). 1 of the submissions does not count toward it. Last evaluated 2025-07-31.

Conditions:
Hereditary cancer-predisposing syndrome. Also called: Neoplastic Syndromes, Hereditary; Tumor predisposition; Hereditary neoplastic syndrome; Hereditary Cancer Syndrome. Identifiers: Orphanet 140162, MedGen C0027672, MeSH D009386, MONDO:0015356.
Hereditary breast ovarian cancer syndrome. Also called: Hereditary breast and ovarian cancer syndrome; Hereditary breast and ovarian cancer; Hereditary breast and ovarian cancer syndrome (HBOC); Breast and ovarian cancer; Hereditary breast and/or ovarian cancer syndrome; BRCA1- and BRCA2-Associated Hereditary Breast and Ovarian Cancer. Identifiers: Orphanet 145, MedGen C0677776, MeSH D061325, MONDO:0003582. Disease mechanism: loss of function.
Breast-ovarian cancer, familial, susceptibility to, 2 (BROVCA2). Also called: BRCA2 Hereditary Breast and Ovarian Cancer. Identifiers: Orphanet 145, MedGen C2675520, MONDO:0012933, OMIM 612555. Disease mechanism: loss of function.

Allele frequency attached by ClinVar (database versions not stated): gnomAD exomes below 0.00001.
gnomAD v4.1: 3 of 1,606,184 alleles (0.00019%); highest among the groups gnomAD compares: Non-Finnish European, 0.00025%; no homozygotes.

Submissions (7):

Labcorp Genetics (formerly Invitae), Labcorp
Classification: Uncertain significance for Hereditary breast ovarian cancer syndrome. Last evaluated: 2025-07-31. Review status: criteria provided, single submitter. Criteria: Invitae Variant Classification Sherloc (09022015). Collection method: clinical testing. Allele origin: germline.
Comment: This sequence change replaces lysine, which is basic and polar, with glutamic acid, which is acidic and polar, at codon 280 of the BRCA2 protein (p.Lys280Glu). This variant is present in population databases (rs80359085, gnomAD 0.0009%). This variant has not been reported in the literature in individuals affected with BRCA2-related conditions. ClinVar contains an entry for this variant (Variation ID: 52571). Invitae Evidence Modeling of protein sequence and biophysical properties (such as structural, functional, and spatial information, amino acid conservation, physicochemical variation, residue mobility, and thermodynamic stability) indicates that this missense variant is not expected to disrupt BRCA2 protein function with a negative predictive value of 95%. In summary, the available evidence is currently insufficient to determine the role of this variant in disease. Therefore, it has been classified as a Variant of Uncertain Significance.

Color Diagnostics, LLC DBA Color Health
Classification: Uncertain significance for Hereditary cancer-predisposing syndrome. Last evaluated: 2025-07-03. Review status: criteria provided, single submitter. Criteria: ACMG Guidelines, 2015. Collection method: clinical testing. Allele origin: germline.
Comment: This missense variant replaces lysine with glutamic acid at codon 280 of the BRCA2 protein. Computational prediction suggests that this variant may not impact protein structure and function. To our knowledge, functional studies have not been reported for this variant. This variant has been detected in a breast cancer case-control meta-analysis in 2/60466 cases and 0/53461 unaffected individuals (PMID: 33471991Leiden Open Variation Database DB-ID BRCA2_007766). This variant has been identified in 1/245046 chromosomes in the general population by the Genome Aggregation Database (gnomAD). The available evidence is insufficient to determine the role of this variant in disease conclusively. Therefore, this variant is classified as a Variant of Uncertain Significance.

Ambry Genetics
Classification: Uncertain significance for Hereditary cancer-predisposing syndrome. Last evaluated: 2024-10-18. Review status: criteria provided, single submitter. Criteria: Ambry Variant Classification Scheme 2023. Collection method: clinical testing. Allele origin: germline.
Comment: The p.K280E variant (also known as c.838A>G), located in coding exon 9 of the BRCA2 gene, results from an A to G substitution at nucleotide position 838. The lysine at codon 280 is replaced by glutamic acid, an amino acid with similar properties. This amino acid position is not well conserved in available vertebrate species. In addition, this alteration is predicted to be tolerated by in silico analysis. Since supporting evidence is limited at this time, the clinical significance of this alteration remains unclear.

University of Washington Department of Laboratory Medicine, University of Washington
Classification: Likely benign for Hereditary cancer-predisposing syndrome. Last evaluated: 2023-03-23. Review status: criteria provided, single submitter. Criteria: Dines et al. (Genet Med. 2020). Collection method: curation. Allele origin: germline.
Comment: Missense variant in a coldspot region where missense variants are very unlikely to be pathogenic (PMID:31911673).

BRCA2 exon 10 coldspot. Reclassification based on statistical prior probability.

Quest Diagnostics Nichols Institute San Juan Capistrano
Classification: Uncertain significance. Last evaluated: 2023-02-10. Review status: criteria provided, single submitter. Criteria: Quest Diagnostics criteria. Collection method: clinical testing. Allele origin: unknown.
Comment: The frequency of this variant in the general population, 0.0000041 (1/245046 chromosomes), is uninformative in assessment of its pathogenicity. Limited information regarding the clinical significance of this variant has been found in the published literature (PMID: 31911673 (2020)). Analysis of this variant using bioinformatics tools for the prediction of the effect of amino acid changes on protein structure and function yielded predictions that this variant is benign. Based on the available information, we are unable to determine the clinical significance of this variant.

Women's Health and Genetics/Laboratory Corporation of America, LabCorp
Classification: Uncertain significance. Last evaluated: 2022-06-17. Review status: criteria provided, single submitter. Criteria: LabCorp Variant Classification Summary - May 2015. Collection method: clinical testing. Allele origin: germline.

Breast Cancer Information Core (BIC) (BRCA2)
Classification: Uncertain significance for Breast-ovarian cancer, familial 2. Last evaluated: 2004-02-20. Review status: no assertion criteria provided. Collection method: clinical testing. Allele origin: germline. Affected: yes. Observed: 1 variant allele. Not counted in ClinVar's aggregate classification.

Literature cited by the submitters: PubMed 33471991 (cited by Color Diagnostics, LLC DBA Color Health); PubMed 31911673 (cited by Quest Diagnostics Nichols Institute San Juan Capistrano).